The following is an entry in ClinVar:

ClinVar aggregate classification (germline): Benign/Likely benign. Review status: criteria provided, multiple submitters, no conflicts (2 of 4 stars). 6 submissions from 6 submitters: Benign (2); Likely benign (3). 1 of the submissions does not count toward it. Last evaluated 2026-02-04.

Conditions:
Polymerase proofreading-related adenomatous polyposis. Also called: Polymerase proofreading associated polyposis; Polymerase proofreading–associated polyposis (PPAP). Identifiers: Orphanet 447877, MedGen C5202613, MONDO:0018653.
Familial colorectal cancer type X. Identifiers: Orphanet 440437, MedGen C3896578, MONDO:0018604.
Colorectal cancer, susceptibility to, 12 (CRCS12). Also called: COLORECTAL CANCER, SUSCEPTIBILITY TO, ON CHROMOSOME 12q24. Identifiers: Orphanet 220460, MedGen C3554460, MONDO:0014038, OMIM 615083.

Allele frequency attached by ClinVar (database versions not stated): gnomAD exomes 0.00019 and 0.00055; ExAC 0.00067; gnomAD 0.00177 and 0.00190; ESP Exome Variant Server 0.00223; TOPMed 0.00225; 1000 Genomes Project 30x 0.00234; 1000 Genomes Project 0.00260.
gnomAD v4.1: 556 of 1,603,784 alleles (0.035%); highest among the groups gnomAD compares: African/African-American, 0.66%; 3 homozygotes.

Submissions (6):

Labcorp Genetics (formerly Invitae), Labcorp
Classification: Benign. Last evaluated: 2026-02-04. Review status: criteria provided, single submitter. Criteria: Invitae Variant Classification Sherloc (09022015). Collection method: clinical testing. Allele origin: germline.

Blueprint Genetics
Classification: Likely benign. Last evaluated: 2024-11-26. Review status: criteria provided, single submitter. Criteria: ACMG Guidelines, 2015. Collection method: clinical testing. Allele origin: germline.

Department of Pathology and Laboratory Medicine, Sinai Health System
Classification: Likely benign for Polymerase proofreading-related adenomatous polyposis; Familial colorectal cancer type X. Last evaluated: 2020-02-04. Review status: criteria provided, single submitter. Criteria: ACMG Guidelines, 2015. Collection method: clinical testing. Allele origin: germline. Affected: yes.

PreventionGenetics, part of Exact Sciences
Classification: Benign. Last evaluated: 2017-08-11. Review status: criteria provided, single submitter. Criteria: ACMG Guidelines, 2015. Collection method: clinical testing. Allele origin: germline.

GeneDx
Classification: Likely benign. Last evaluated: 2017-08-01. Review status: criteria provided, single submitter. Criteria: GeneDx Variant Classification (06012015). Collection method: clinical testing. Allele origin: germline. Affected: yes.
Comment: This variant is considered likely benign or benign based on one or more of the following criteria: it is a conservative change, it occurs at a poorly conserved position in the protein, it is predicted to be benign by multiple in silico algorithms, and/or has population frequency not consistent with disease.

Counsyl
Classification: Likely benign for Colorectal cancer, susceptibility to, 12. Last evaluated: 2016-11-07. Review status: no assertion criteria provided. Collection method: clinical testing. Allele origin: unknown. Not counted in ClinVar's aggregate classification.

NM_006231.4(POLE):c.5811+13C>T

Gene: POLE (DNA polymerase epsilon, catalytic subunit; minus strand). Cytogenetic location: 12q24.33.
Variant type: single nucleotide variant.
Coding change: c.5811+13C>T on transcript NM_006231.4 (MANE Select); 13 bases into the intron after coding-DNA position 5811, C replaced by T.
Molecular consequence: intron variant.
Genome position (GRCh38, 1-based): chr12:132,635,879, G>A on the plus strand (C>T on the coding strand, the complement: POLE is on the minus strand). VCF-style: chr12-132635879-G-A. GRCh37 (hg19) VCF-style: chr12-133212465-G-A.
Identifiers: ClinVar variation 372065 (VCV000372065.13), dbSNP rs150195182, ClinGen allele CA6892390.